The following is an entry in ClinVar:

ClinVar aggregate classification (germline): Uncertain significance. Review status: criteria provided, multiple submitters, no conflicts (2 of 4 stars). 8 submissions from 8 submitters: Uncertain significance (7). 1 of the submissions does not count toward it. Last evaluated 2025-01-29.

Conditions:
Combined immunodeficiency due to DOCK8 deficiency (HIES2). Also called: HYPER-IgE SYNDROME 2, AUTOSOMAL RECESSIVE, WITH RECURRENT INFECTIONS; HIES autosomal recessive; Hyper-IgE recurrent infection syndrome, autosomal recessive; HYPER-IgE RECURRENT INFECTION SYNDROME 2, AUTOSOMAL RECESSIVE; DOCK8 Deficiency. Identifiers: Orphanet 217390, MedGen C4722305, MONDO:0009478, OMIM 243700.
Intellectual disability. Also called: Intellectual functioning disability; intellectual disabilities; Intellectual developmental disorder. Identifiers: MedGen C3714756, MeSH D008607, MONDO:0001071, HP:0001249.

Allele frequency attached by ClinVar (database versions not stated): ExAC 0.00028; gnomAD 0.00037 and 0.00040; ESP Exome Variant Server 0.00031; 1000 Genomes Project 0.00060; TOPMed 0.00045; 1000 Genomes Project 30x 0.00062.
gnomAD v4.1: 753 of 1,614,132 alleles (0.047%); highest among the groups gnomAD compares: Non-Finnish European, 0.056%; 3 homozygotes.

Submissions (8):

Labcorp Genetics (formerly Invitae), Labcorp
Classification: Uncertain significance for Combined immunodeficiency due to DOCK8 deficiency. Last evaluated: 2025-01-29. Review status: criteria provided, single submitter. Criteria: Invitae Variant Classification Sherloc (09022015). Collection method: clinical testing. Allele origin: germline.
Comment: This sequence change replaces arginine, which is basic and polar, with glutamine, which is neutral and polar, at codon 398 of the DOCK8 protein (p.Arg398Gln). This variant is present in population databases (rs147287319, gnomAD 0.07%), including at least one homozygous and/or hemizygous individual. This variant has not been reported in the literature in individuals affected with DOCK8-related conditions. ClinVar contains an entry for this variant (Variation ID: 235481). Invitae Evidence Modeling of protein sequence and biophysical properties (such as structural, functional, and spatial information, amino acid conservation, physicochemical variation, residue mobility, and thermodynamic stability) indicates that this missense variant is expected to disrupt DOCK8 protein function with a positive predictive value of 80%. In summary, the available evidence is currently insufficient to determine the role of this variant in disease. Therefore, it has been classified as a Variant of Uncertain Significance.

GeneDx
Classification: Uncertain significance. Last evaluated: 2024-03-31. Review status: criteria provided, single submitter. Criteria: GeneDx Variant Classification Process June 2021. Collection method: clinical testing. Allele origin: germline. Affected: yes.
Comment: In silico analysis supports that this missense variant has a deleterious effect on protein structure/function; Has not been previously published as pathogenic or benign to our knowledge

Mayo Clinic Laboratories, Mayo Clinic
Classification: Uncertain significance. Last evaluated: 2023-08-21. Review status: criteria provided, single submitter. Criteria: ACMG Guidelines, 2015. Collection method: clinical testing. Allele origin: germline. Observed: 1 variant allele.

Revvity Omics, Revvity
Classification: Uncertain significance for Combined immunodeficiency due to DOCK8 deficiency. Last evaluated: 2022-09-28. Review status: criteria provided, single submitter. Criteria: ACMG Guidelines, 2015. Collection method: clinical testing. Allele origin: germline.

Illumina Laboratory Services, Illumina
Classification: Uncertain significance for Combined immunodeficiency due to DOCK8 deficiency. Last evaluated: 2018-01-12. Review status: criteria provided, single submitter. Criteria: ICSL Variant Classification Criteria 13 December 2019. Collection method: clinical testing. Allele origin: germline.

Center for Pediatric Genomic Medicine, Children's Mercy Hospital and Clinics
Classification: Uncertain significance. Last evaluated: 2015-06-12. Review status: criteria provided, single submitter. Criteria: ACMG Guidelines, 2015. Collection method: clinical testing. Allele origin: germline.
ClinVar note: Converted during submission from Uncertain Significance to Uncertain significance.

Breakthrough Genomics
Classification: Uncertain significance. Review status: criteria provided, single submitter. Criteria: ACMG Guidelines, 2015. Collection method: not provided. Allele origin: germline. Inheritance: Autosomal recessive inheritance. Affected: yes.

Centre de Biologie Pathologie Génétique, Centre Hospitalier Universitaire de Lille
Classification: Uncertain significance for Intellectual disability. Last evaluated: 2019-01-01. Review status: no assertion criteria provided. Collection method: clinical testing. Allele origin: unknown. Affected: yes. Not counted in ClinVar's aggregate classification.

NM_203447.4(DOCK8):c.1193G>A (p.Arg398Gln)

Gene: DOCK8 (dedicator of cytokinesis 8; plus strand). Cytogenetic location: 9p24.3.
Variant type: single nucleotide variant.
Coding change: c.1193G>A on transcript NM_203447.4 (MANE Select); coding-DNA position 1193, G replaced by A.
Protein change: p.Arg398Gln; replaces arginine 398 with glutamine.
Molecular consequence: missense variant.
Genome position (GRCh38, 1-based): chr9:334,292, G>A. VCF-style: chr9-334292-G-A. GRCh37 (hg19) VCF-style: chr9-334292-G-A.
Other names: p.Arg398Gln; c.989G>A, p.Arg330Gln (NM_001190458.2, NM_001193536.2); short protein forms R398Q, R330Q.
Identifiers: ClinVar variation 235481 (VCV000235481.20), dbSNP rs147287319, ClinGen allele CA4957643.